The following is an entry in ClinVar:

NM_018082.6(POLR3B):c.1999G>A (p.Val667Met)

Gene: POLR3B (RNA polymerase III subunit B; plus strand). Cytogenetic location: 12q23.3.
Variant type: single nucleotide variant.
Coding change: c.1999G>A on transcript NM_018082.6 (MANE Select); coding-DNA position 1999, G replaced by A.
Protein change: p.Val667Met; replaces valine 667 with methionine.
Molecular consequence: missense variant.
Genome position (GRCh38, 1-based): chr12:106,444,506, G>A. VCF-style: chr12-106444506-G-A. GRCh37 (hg19) VCF-style: chr12-106838284-G-A.
Other names: NM_018082.6(POLR3B):c.1999G>A; p.Val667Met; c.1825G>A, p.Val609Met (NM_001160708.2); short protein forms V609M, V667M.
Identifiers: ClinVar variation 1184067 (VCV001184067.15), dbSNP rs756536922, ClinGen allele CA6762097.

ClinVar aggregate classification (germline): Conflicting classifications of pathogenicity. Review status: criteria provided, conflicting classifications (1 of 4 stars). 8 submissions from 8 submitters: Pathogenic (1); Likely pathogenic (1); Uncertain significance (5). 1 of the submissions does not count toward it. Last evaluated 2024-02-21.

Conditions:
Leukodystrophy, hypomyelinating, 8, with or without oligodontia and/or hypogonadotropic hypogonadism. Also called: LEUKODYSTROPHY, HYPOMYELINATING, 8, WITH HYPODONTIA AND HYPOGONADOTROPIC HYPOGONADISM; Hypomyelinating leukodystrophy 8 with or without oligodontia and-or hypogonadotropic hypogonadism; Endosteal sclerosis-cerebellar hypoplasia syndrome. Identifiers: Orphanet 85186, Orphanet 88637, MedGen C3280644, MONDO:0013722, OMIM 614381.
Charcot-Marie-Tooth disease, demyelinating, IIA 1I. Also called: CHARCOT-MARIE-TOOTH NEUROPATHY, TYPE 1I; Charcot-Marie-Tooth disease, demyelinating, type 1I. Identifiers: MedGen C5676914, MONDO:0030677, OMIM 619742.

Allele frequency attached by ClinVar (database versions not stated): gnomAD exomes 0.00001; ExAC 0.00001; TOPMed 0.00002; gnomAD 0.00001.
gnomAD v4.1: 19 of 1,613,662 alleles (0.0012%); highest among the groups gnomAD compares: African/African-American, 0.004%; no homozygotes.

Submissions (8):

Labcorp Genetics (formerly Invitae), Labcorp
Classification: Uncertain significance. Last evaluated: 2024-02-21. Review status: criteria provided, single submitter. Criteria: Invitae Variant Classification Sherloc (09022015). Collection method: clinical testing. Allele origin: germline.
Comment: This sequence change replaces valine, which is neutral and non-polar, with methionine, which is neutral and non-polar, at codon 667 of the POLR3B protein (p.Val667Met). This variant is present in population databases (rs756536922, gnomAD 0.004%). This missense change has been observed in individuals with POLR3B-related conditions (PMID: 25339210, 31969655). It has also been observed to segregate with disease in related individuals. ClinVar contains an entry for this variant (Variation ID: 1184067). Advanced modeling of protein sequence and biophysical properties (such as structural, functional, and spatial information, amino acid conservation, physicochemical variation, residue mobility, and thermodynamic stability) has been performed at Invitae for this missense variant, however the output from this modeling did not meet the statistical confidence thresholds required to predict the impact of this variant on POLR3B protein function. In summary, the available evidence is currently insufficient to determine the role of this variant in disease. Therefore, it has been classified as a Variant of Uncertain Significance.

3billion
Classification: Uncertain significance for Leukodystrophy, hypomyelinating, 8, with or without oligodontia and/or hypogonadotropic hypogonadism. Last evaluated: 2022-09-01. Review status: criteria provided, single submitter. Criteria: ACMG Guidelines, 2015. Collection method: clinical testing. Allele origin: germline. Affected: yes. Observed: 1 homozygote.
Comment: The variant is observed at an extremely low frequency in the gnomAD v2.1.1 dataset (total allele frequency: 0.001%). Missense changes are a common disease-causing mechanism. In silico tool predictions suggest damaging effect of the variant on gene or gene product (REVEL: 0.89; 3Cnet: 0.51). Same nucleotide change resulting in same amino acid change has been previously reported to be associated with POLR3B-related disorder (ClinVar ID: VCV001184067 / PMID: 25339210). However, the evidence of pathogenicity is insufficient at this time. Therefore, this variant is classified as uncertain significance according to the recommendation of ACMG/AMP guideline.

Broad Center for Mendelian Genomics, Broad Institute of MIT and Harvard
Classification: Uncertain significance for Leukodystrophy, hypomyelinating, 8, with or without oligodontia and/or hypogonadotropic hypogonadism. Last evaluated: 2022-02-28. Review status: criteria provided, single submitter. Criteria: ACMG Guidelines, 2015. Collection method: curation. Allele origin: germline. Inheritance: Autosomal recessive inheritance.
Comment: The p.Val667Met variant in POLR3B has been reported in 2 compound heterozygous individuals with 4H leukodystrophy (PMID: 25339210, 31969655), and has been identified in 0.004% (1/24960) of African/African American chromosomes by the Genome Aggregation Database (gnomAD; dbSNP ID: rs756536922). Although this variant has been seen in the general population in a heterozygous state, its frequency is low enough to be consistent with a recessive carrier frequency. Of the 2 affected individuals, 1 was a compound heterozygote that carried a variant of uncertain significance in trans and 1 was a compound heterozygote that carried a reported likely pathogenic variant with unknown phase, which increases the likelihood that the p.Val667Met variant is pathogenic (PMID: 31969655, 25339210; Clinvar ID: 419962). This variant has also been reported in ClinVar (Variation ID#: 1184067) and has been interpreted as VUS by GeneDx and pathogenic by GeneReviews. Computational prediction tools and conservation analyses suggest that this variant may impact the protein, though this information is not predictive enough to determine pathogenicity. The number of missense variants reported in POLR3B in the general population is lower than expected, suggesting there is little benign variation in this gene and slightly increasing the possibility that a missense variant in this gene may not be tolerated. In summary, the clinical significance of the p.Val667Met variant is uncertain. ACMG/AMP Criteria applied: PM2_supporting, PP3, PP2, PM3_supporting (Richards 2015).

Molecular Diagnostics Lab, Nemours Children's Health, Delaware
Classification: Likely pathogenic for Charcot-Marie-Tooth disease, demyelinating, IIA 1I. Last evaluated: 2020-12-23. Review status: criteria provided, single submitter. Criteria: ACMG Guidelines, 2015. Collection method: clinical testing. Allele origin: unknown. Inheritance: Autosomal recessive inheritance. Affected: yes. Observed: 4 compound heterozygotes. Clinical features observed: Cerebellar hypoplasia (HP:0006806), Delayed eruption of permanent teeth (HP:0000696).
Comment: This missense variant (c.1999G>A, p.Val667Met) has not been observed in population databases (gnomAD). The change has been reported in the literature (PMID 31969655, PMID 25339210). Variant prediction programs suggest a deleterious effect, but no functional studies have been published.

GeneDx
Classification: Uncertain significance. Last evaluated: 2020-10-23. Review status: criteria provided, single submitter. Criteria: GeneDx Variant Classification Process June 2021. Collection method: clinical testing. Allele origin: germline. Affected: yes.
Comment: Not observed at a significant frequency in large population cohorts (Lek et al., 2016); In silico analysis supports that this missense variant does not alter protein structure/function; This variant is associated with the following publications: (PMID: 31969655, 25339210)

Neuberg Centre For Genomic Medicine, NCGM
Classification: Uncertain significance for Leukodystrophy, hypomyelinating, 8, with or without oligodontia and/or hypogonadotropic hypogonadism. Review status: criteria provided, single submitter. Criteria: ACMG Guidelines, 2015. Collection method: clinical testing. Allele origin: germline. Inheritance: Autosomal recessive inheritance. Affected: yes.
Comment: The missense variant p.V667M in POLR3B (NM_018082.6) has not been reported previously as a pathogenic variant nor as a benign variant, to our knowledge. The p.V667M variant is observed in 1/16,256 (0.0062%) alleles from individuals of African background in gnomAD Exomes and is novel (not in any individuals) in 1000 Genomes. The gene POLR3B contains 12 pathogenic missense variants, indicating that missense variants are a common mechanism of disease in this gene. The p.V667M missense variant is predicted to be damaging by both SIFT and PolyPhen2. The valine residue at codon 667 of POLR3B is conserved in all mammalian species. The nucleotide c.1999 in POLR3B is predicted conserved by GERP++ and PhyloP across 100 vertebrates. For these reasons, this variant has been classified as Uncertain Significance.

Suma Genomics
Classification: Pathogenic for Leukodystrophy, hypomyelinating, 8, with or without oligodontia and/or hypogonadotropic hypogonadism. Review status: criteria provided, single submitter. Criteria: ACMG Guidelines, 2015. Collection method: clinical testing. Allele origin: germline. Inheritance: Autosomal recessive inheritance. Affected: yes. Observed: 1 homozygote.
Comment: This variant is observed in 19 individuals in the gnomAD database in heterozygous state. In-silico analysis tool REVEL is consistent in predicting this variant to be disease-causing. ACMG classification: Pathogenic Criteria met: PM2_Supporting: Variant is observed in 19 individuals in the gnomAD database in heterozygous state. PM3_Strong: recessive in trans PP1: Co-segregation PP3_Moderate: For a missense variant, computational prediction tools unanimously support a deleterious effect on the gene. PP4_Supporting

GeneReviews
No classification provided. Condition: Leukodystrophy, hypomyelinating, 8, with or without oligodontia and/or hypogonadotropic hypogonadism. Review status: no classification provided. Collection method: literature only. Allele origin: germline. Not counted in ClinVar's aggregate classification.

Literature cited by the submitters: PubMed 25339210 (cited by 3 submitters); PubMed 31969655 (cited by Labcorp Genetics (formerly Invitae), Labcorp); PubMed 22855961 (cited by GeneReviews).